The following is an entry in ClinVar:

ClinVar aggregate classification (germline): Benign. Review status: criteria provided, multiple submitters, no conflicts (2 of 4 stars). 2 submissions from 2 submitters: Benign (2). Last evaluated 2018-01-13.

Conditions:
Primary familial polycythemia due to EPO receptor mutation. Also called: POLYCYTHEMIA, PRIMARY FAMILIAL AND CONGENITAL; ERYTHROCYTOSIS, SOMATIC; Erythrocytosis, familial, 1; Primary Familial Congenital Polycythemia. Identifiers: Orphanet 90042, MedGen C4551637, MONDO:0007572, OMIM 133100.

Allele frequency attached by ClinVar (database versions not stated): gnomAD exomes 0.00039 and 0.00086; ExAC 0.00062; gnomAD 0.00329 and 0.00345; TOPMed 0.00386; 1000 Genomes Project 0.00399; 1000 Genomes Project 30x 0.00406.
gnomAD v4.1: 934 of 1,200,868 alleles (0.078%); highest among the groups gnomAD compares: African/African-American, 1.1%; 6 homozygotes.

Submissions (2):

Illumina Laboratory Services, Illumina
Classification: Benign for Primary familial polycythemia due to EPO receptor mutation. Last evaluated: 2018-01-13. Review status: criteria provided, single submitter. Criteria: ICSL Variant Classification Criteria 13 December 2019. Collection method: clinical testing. Allele origin: germline.
Comment: This variant was observed in the ICSL laboratory as part of a predisposition screen in an ostensibly healthy population. It had not been previously curated by ICSL or reported in the Human Gene Mutation Database (HGMD: prior to June 1st, 2018), and was therefore a candidate for classification through an automated scoring system. Utilizing variant allele frequency, disease prevalence and penetrance estimates, and inheritance mode, an automated score was calculated to assess if this variant is too frequent to cause the disease. Based on the score and internal cut-off values, a variant classified as benign is not then subjected to further curation. The score for this variant resulted in a classification of benign for this disease.

Breakthrough Genomics
Classification: Benign. Review status: criteria provided, single submitter. Criteria: ACMG Guidelines, 2015. Collection method: not provided. Allele origin: germline. Inheritance: Autosomal dominant inheritance. Affected: yes.

NM_000121.4(EPOR):c.-55G>A

Gene: EPOR (erythropoietin receptor; minus strand). Cytogenetic location: 19p13.2.
Variant type: single nucleotide variant.
Coding change: c.-55G>A on transcript NM_000121.4 (MANE Select); 55 bases upstream of the start codon, G replaced by A.
Molecular consequence: 5 prime UTR variant. On other transcripts: non-coding transcript variant (1).
Genome position (GRCh38, 1-based): chr19:11,384,262, C>T on the plus strand (G>A on the coding strand, the complement: EPOR is on the minus strand). VCF-style: chr19-11384262-C-T. GRCh37 (hg19) VCF-style: chr19-11494938-C-T.
Identifiers: ClinVar variation 890208 (VCV000890208.5), dbSNP rs140630699, ClinGen allele CA9210928.
Genomic context (GRCh38, chr19:11,384,262, plus strand): 5'-GTCCATGATACAGCCCCCGCCACGGGGAGCCCAGGGCTCCTGCCCCTCCGTCCCCCGCCC[C>T]CGGCACAGTCCACAGCTGGGTCAGCAGCTGCCTCCGCCGGACGCAGCTGACCAGGCCCTT-3'